The following is an entry in ClinVar:

NM_019844.4(SLCO1B3):c.1863T>C (p.Phe621=)

Genes: SLCO1B3 (solute carrier organic anion transporter family member 1B3; plus strand), SLCO1B3-SLCO1B7 (SLCO1B3-SLCO1B7 readthrough; plus strand). Cytogenetic location: 12p12.2.
Variant type: single nucleotide variant.
Coding change: c.1863T>C on transcript NM_019844.4 (MANE Select); coding-DNA position 1863, T replaced by C.
Protein change: p.Phe621=; no amino-acid change (phenylalanine 621 retained).
Molecular consequence: synonymous variant.
Genome position (GRCh38, 1-based): chr12:20,901,465, T>C. VCF-style: chr12-20901465-T-C. GRCh37 (hg19) VCF-style: chr12-21054399-T-C.
Other names: c.1863T>C, p.Phe621= (NM_001371097.1); c.1779T>C, p.Phe593= (NM_001349920.2).
Identifiers: ClinVar variation 3061660 (VCV003061660.2), dbSNP rs748950766, ClinGen allele CA478861581.

ClinVar aggregate classification (germline): Likely benign (0 of 4 stars; one submission).

Conditions:
SLCO1B3-related disorder. Also called: SLCO1B3-related condition.

gnomAD v4.1: 2 of 1,502,644 alleles (0.00013%); highest among the groups gnomAD compares: African/African-American, 0.0028%; no homozygotes.

Submission:

PreventionGenetics, part of Exact Sciences
Classification: Likely benign for SLCO1B3-related condition. Last evaluated: 2022-05-16. Review status: no assertion criteria provided. Collection method: clinical testing. Allele origin: germline.
Comment: This variant is classified as likely benign based on ACMG/AMP sequence variant interpretation guidelines (Richards et al. 2015 PMID: 25741868, with internal and published modifications).